The following is an entry in ClinVar:

NM_014679.5(CEP57):c.808-11_808-7del

Gene: CEP57 (centrosomal protein 57; plus strand). Cytogenetic location: 11q21.
Variant type: Microsatellite.
Coding change: c.808-11_808-7del on transcript NM_014679.5 (MANE Select); 11 bases into the intron before coding-DNA position 808 through 7 bases into the intron before coding-DNA position 808, 5 bases deleted (TTTTC; older notation c.808-11_808-7delTTTTC).
Molecular consequence: intron variant.
Genome position (GRCh38, 1-based): chr11:95,822,488-95,822,492, TTTTC deleted; deleting any 5 consecutive bases within chr11:95,822,482-95,822,492 gives the same sequence; the c. name uses the placement nearest the transcript's 3' end. VCF-style (leftmost placement, unchanged base first): chr11-95822481-CCTTTT-C. GRCh37 (hg19) VCF-style: chr11-95555645-CCTTTT-C.
Other names: c.727-11_727-7del (NM_001363604.2); c.781-11_781-7del (NM_001243776.2); c.807+510_807+514del (NM_001243777.2).
Identifiers: ClinVar variation 2956966 (VCV002956966.3), dbSNP rs1323476356, ClinGen allele CA600868265.

ClinVar aggregate classification (germline): Uncertain significance (1 of 4 stars; one submission).

Conditions:
Mosaic variegated aneuploidy syndrome 2 (MVA2). Identifiers: Orphanet 1052, MedGen C3279843, MONDO:0013582, OMIM 614114.

Submission:

Labcorp Genetics (formerly Invitae), Labcorp
Classification: Uncertain significance for Mosaic variegated aneuploidy syndrome 2. Last evaluated: 2023-09-30. Review status: criteria provided, single submitter. Criteria: Invitae Variant Classification Sherloc (09022015). Collection method: clinical testing. Allele origin: germline.
Comment: Algorithms developed to predict the effect of sequence changes on RNA splicing suggest that this variant may disrupt the consensus splice site. In summary, the available evidence is currently insufficient to determine the role of this variant in disease. Therefore, it has been classified as a Variant of Uncertain Significance. This variant has not been reported in the literature in individuals affected with CEP57-related conditions. This sequence change falls in intron 7 of the CEP57 gene. It does not directly change the encoded amino acid sequence of the CEP57 protein. This variant is present in population databases (no rsID available, gnomAD 0.006%).